The following is an entry in ClinVar:

NM_001394062.1(MACF1):c.11366G>A (p.Gly3789Asp)

Gene: MACF1 (microtubule actin crosslinking factor 1; plus strand). Cytogenetic location: 1p34.3.
Variant type: single nucleotide variant.
Coding change: c.11366G>A on transcript NM_001394062.1 (MANE Select); coding-DNA position 11366, G replaced by A.
Protein change: p.Gly3789Asp; replaces glycine 3789 with aspartic acid.
Molecular consequence: missense variant.
Genome position (GRCh38, 1-based): chr1:39,353,173, G>A. VCF-style: chr1-39353173-G-A. GRCh37 (hg19) VCF-style: chr1-39818845-G-A.
Other names: c.5180G>A, p.Gly1727Asp (NM_012090.5); short protein forms G1727D, G3789D.
Identifiers: ClinVar variation 3361096 (VCV003361096.2).
Genomic context (GRCh38, chr1:39,353,173, plus strand): 5'-CAGGAATGGAGCAGCTCTCGGGAGCTAGCTTGGAGAAAGGAGCCTTGGACACCACTGATG[G>A]TTACATGGGGGTGAATCAAGCCCCAGAGAAACTGGACAAGCAATGTGAGATGATGAAGGT-3'
Protein context (NP_001380991.1, residues 3779-3799): LEKGALDTTD[Gly3789Asp]YMGVNQAPEK

ClinVar aggregate classification (germline): Uncertain significance (1 of 4 stars; one submission).

gnomAD v4.1: 1 of 1,612,950 alleles (0.000062%); highest among the groups gnomAD compares: Non-Finnish European, 0.000085%; no homozygotes.

Submission:

GeneDx
Classification: Uncertain significance. Last evaluated: 2025-07-13. Review status: criteria provided, single submitter. Criteria: GeneDx Variant Classification Process June 2021. Collection method: clinical testing. Allele origin: germline.
Comment: Not observed at significant frequency in large population cohorts (gnomAD); In silico analysis supports that this missense variant has a deleterious effect on protein structure/function; Has not been previously published as pathogenic or benign to our knowledge